The following is an entry in ClinVar:

ClinVar aggregate classification (germline): Benign (1 of 4 stars; one submission).

gnomAD v4.1: 1,710 of 1,614,126 alleles (0.11%); highest among the groups gnomAD compares: African/African-American, 2%; 20 homozygotes.

Submission:

CeGaT Center for Human Genetics Tuebingen
Classification: Benign. Last evaluated: 2024-08-01. Review status: criteria provided, single submitter. Criteria: CeGaT Center For Human Genetics Tuebingen Variant Classification Criteria Version 2. Collection method: clinical testing. Allele origin: germline. Affected: yes. Observed: 2 variant alleles.
Comment: PDPN: BS1, BS2

NM_006474.5(PDPN):c.127A>G (p.Met43Val)

Gene: PDPN (podoplanin; plus strand). Cytogenetic location: 1p36.21.
Variant type: single nucleotide variant.
Coding change: c.127A>G on transcript NM_006474.5 (MANE Select); coding-DNA position 127, A replaced by G.
Protein change: p.Met43Val; replaces methionine 43 with valine.
Molecular consequence: missense variant. On other transcripts: initiator codon variant (3).
Genome position (GRCh38, 1-based): chr1:13,607,232, A>G. VCF-style: chr1-13607232-A-G. GRCh37 (hg19) VCF-style: chr1-13933727-A-G.
Other names: c.1A>G, p.Met1Val (NM_001385053.1, NM_001006624.2, NM_001006625.2); c.355A>G, p.Met119Val (NM_198389.2); short protein forms M119V, M1V, M43V.
Identifiers: ClinVar variation 3341599 (VCV003341599.16).